The following is an entry in ClinVar:

NM_032043.3(BRIP1):c.1124C>T (p.Ala375Val)

Gene: BRIP1 (BRCA1 interacting DNA helicase 1; minus strand). Cytogenetic location: 17q23.2.
Variant type: single nucleotide variant.
Coding change: c.1124C>T on transcript NM_032043.3 (MANE Select); coding-DNA position 1124, C replaced by T.
Protein change: p.Ala375Val; replaces alanine 375 with valine.
Molecular consequence: missense variant.
Genome position (GRCh38, 1-based): chr17:61,801,269, G>A on the plus strand (C>T on the coding strand, the complement: BRIP1 is on the minus strand). VCF-style: chr17-61801269-G-A. GRCh37 (hg19) VCF-style: chr17-59878630-G-A.
Other names: short protein forms A375V.
Identifiers: ClinVar variation 185465 (VCV000185465.20), dbSNP rs786202192, ClinGen allele CA192031.

ClinVar aggregate classification (germline): Uncertain significance. Review status: criteria provided, multiple submitters, no conflicts (2 of 4 stars). 5 submissions from 5 submitters: Uncertain significance (5). Last evaluated 2026-02-04.

Conditions:
Hereditary cancer-predisposing syndrome. Also called: Tumor predisposition; Neoplastic Syndromes, Hereditary; Hereditary neoplastic syndrome; Hereditary Cancer Syndrome. Identifiers: Orphanet 140162, MedGen C0027672, MeSH D009386, MONDO:0015356.
Fanconi anemia complementation group J. Also called: BRIP1-Related Fanconi Anemia. Identifiers: Orphanet 84, MedGen C1836860, MONDO:0012187, OMIM 609054.
Familial cancer of breast. Also called: BREAST CANCER, FAMILIAL; hereditary breast carcinoma; Hereditary breast cancer. Identifiers: Orphanet 227535, MedGen C0346153, MONDO:0016419, OMIM 114480. Disease mechanism: loss of function.

Allele frequency attached by ClinVar (database versions not stated): gnomAD exomes below 0.00001; TOPMed below 0.00001.
gnomAD v4.1: 1 of 1,612,560 alleles (0.000062%); highest among the groups gnomAD compares: Non-Finnish European, 0.000085%; no homozygotes.

Submissions (5):

Labcorp Genetics (formerly Invitae), Labcorp
Classification: Uncertain significance for Familial cancer of breast; Fanconi anemia complementation group J. Last evaluated: 2026-02-04. Review status: criteria provided, single submitter. Criteria: Invitae Variant Classification Sherloc (09022015). Collection method: clinical testing. Allele origin: germline.
Comment: This sequence change replaces alanine, which is neutral and non-polar, with valine, which is neutral and non-polar, at codon 375 of the BRIP1 protein (p.Ala375Val). This variant is not present in population databases (gnomAD no frequency). This variant has not been reported in the literature in individuals affected with BRIP1-related conditions. ClinVar contains an entry for this variant (Variation ID: 185465). Invitae Evidence Modeling of protein sequence and biophysical properties (such as structural, functional, and spatial information, amino acid conservation, physicochemical variation, residue mobility, and thermodynamic stability) indicates that this missense variant is not expected to disrupt BRIP1 protein function with a negative predictive value of 95%. In summary, the available evidence is currently insufficient to determine the role of this variant in disease. Therefore, it has been classified as a Variant of Uncertain Significance.

Blueprint Genetics
Classification: Uncertain significance. Last evaluated: 2024-09-20. Review status: criteria provided, single submitter. Criteria: ACMG Guidelines, 2015. Collection method: clinical testing. Allele origin: germline.

Ambry Genetics
Classification: Uncertain significance for Hereditary cancer-predisposing syndrome. Last evaluated: 2024-08-30. Review status: criteria provided, single submitter. Criteria: Ambry Variant Classification Scheme 2023. Collection method: clinical testing. Allele origin: germline.
Comment: The p.A375V variant (also known as c.1124C>T), located in coding exon 7 of the BRIP1 gene, results from a C to T substitution at nucleotide position 1124. The alanine at codon 375 is replaced by valine, an amino acid with similar properties. This amino acid position is not well conserved in available vertebrate species. In addition, this alteration is predicted to be tolerated by in silico analysis. Based on the available evidence, the clinical significance of this variant remains unclear.

Baylor Genetics
Classification: Uncertain significance for Familial cancer of breast. Last evaluated: 2024-02-22. Review status: criteria provided, single submitter. Criteria: ACMG Guidelines, 2015. Collection method: clinical testing. Allele origin: unknown.

Color Diagnostics, LLC DBA Color Health
Classification: Uncertain significance for Hereditary cancer-predisposing syndrome. Last evaluated: 2021-05-17. Review status: criteria provided, single submitter. Criteria: ACMG Guidelines, 2015. Collection method: clinical testing. Allele origin: germline.
Comment: This missense variant replaces alanine with valine at codon 375 of the BRIP1 protein. Computational prediction suggests that this variant may not impact protein structure and function (internally defined REVEL score threshold <= 0.5, PMID: 27666373). To our knowledge, functional studies have not been reported for this variant. This variant has not been reported in individuals affected with hereditary cancer in the literature. This variant has not been identified in the general population by the Genome Aggregation Database (gnomAD). The available evidence is insufficient to determine the role of this variant in disease conclusively. Therefore, this variant is classified as a Variant of Uncertain Significance.